The following is an entry in ClinVar:

NM_001458.5(FLNC):c.3952G>A (p.Ala1318Thr)

Gene: FLNC (filamin C; plus strand). Cytogenetic location: 7q32.1.
Variant type: single nucleotide variant.
Coding change: c.3952G>A on transcript NM_001458.5 (MANE Select); coding-DNA position 3952, G replaced by A.
Protein change: p.Ala1318Thr; replaces alanine 1318 with threonine.
Molecular consequence: missense variant.
Genome position (GRCh38, 1-based): chr7:128,846,151, G>A. VCF-style: chr7-128846151-G-A. GRCh37 (hg19) VCF-style: chr7-128486205-G-A.
Other names: c.3952G>A, p.Ala1318Thr (NM_001127487.2); short protein forms A1318T.
Identifiers: ClinVar variation 1358777 (VCV001358777.10), dbSNP rs777939926, ClinGen allele CA4475185.
Genomic context (GRCh38, chr7:128,846,151, plus strand): 5'-GCCAAGACAGACACCTATGTGACAGACAATGGGGACGGCACCTACCGAGTGCAGTACACC[G>A]CCTACGAGGAGGGTGAGGGCCGGTGGGCCAGGCTAGTGGGCAGGGCTGGGCAAGTGGGCA-3'
Protein context (NP_001449.3, residues 1308-1328): GDGTYRVQYT[Ala1318Thr]YEEGVHLVEV

ClinVar aggregate classification (germline): Conflicting classifications of pathogenicity. Review status: criteria provided, conflicting classifications (1 of 4 stars). 2 submissions from 2 submitters: Uncertain significance (1); Likely benign (1). Last evaluated 2025-12-14.

Conditions:
Distal myopathy with posterior leg and anterior hand involvement. Also called: WILLIAMS DISTAL MYOPATHY. Identifiers: Orphanet 63273, MedGen C3279722, MONDO:0013550, OMIM 614065.
Myofibrillar myopathy 5. Also called: Filaminopathy (type); FILAMINOPATHY, AUTOSOMAL DOMINANT. Identifiers: Orphanet 171445, MedGen C1836050, MONDO:0012289, OMIM 609524.
Hypertrophic cardiomyopathy 26. Also called: Cardiomyopathy, familial hypertrophic, 26. Identifiers: Orphanet 75249, MedGen C4310749, MONDO:0014883, OMIM 617047.
Cardiovascular phenotype. Identifiers: MedGen CN230736.

Allele frequency attached by ClinVar (database versions not stated): ExAC 0.00002.
gnomAD v4.1: 11 of 1,613,948 alleles (0.00068%); highest among the groups gnomAD compares: Middle Eastern, 0.016%; no homozygotes.

Submissions (2):

Labcorp Genetics (formerly Invitae), Labcorp
Classification: Likely benign for Distal myopathy with posterior leg and anterior hand involvement; Myofibrillar myopathy 5; Hypertrophic cardiomyopathy 26. Last evaluated: 2025-12-14. Review status: criteria provided, single submitter. Criteria: Invitae Variant Classification Sherloc (09022015). Collection method: clinical testing. Allele origin: germline.

Ambry Genetics
Classification: Uncertain significance for Cardiovascular phenotype. Last evaluated: 2022-08-20. Review status: criteria provided, single submitter. Criteria: Ambry Variant Classification Scheme 2023. Collection method: clinical testing. Allele origin: germline.
Comment: The p.A1318T variant (also known as c.3952G>A), located in coding exon 22 of the FLNC gene, results from a G to A substitution at nucleotide position 3952. The alanine at codon 1318 is replaced by threonine, an amino acid with similar properties. This amino acid position is conserved. In addition, the in silico prediction for this alteration is inconclusive. Since supporting evidence is limited at this time, the clinical significance of this alteration remains unclear.